The following is an entry in ClinVar:

ClinVar aggregate classification (germline): Uncertain significance (1 of 4 stars; one submission).

Conditions:
Hereditary cancer-predisposing syndrome. Also called: Hereditary neoplastic syndrome; Neoplastic Syndromes, Hereditary; Tumor predisposition; Hereditary Cancer Syndrome. Identifiers: Orphanet 140162, MedGen C0027672, MeSH D009386, MONDO:0015356.

Submission:

Ambry Genetics
Classification: Uncertain significance for Hereditary cancer-predisposing syndrome. Last evaluated: 2025-03-01. Review status: criteria provided, single submitter. Criteria: Ambry Variant Classification Scheme 2023. Collection method: clinical testing. Allele origin: germline.
Comment: The p.R1305I variant (also known as c.3914G>T), located in coding exon 20 of the BLM gene, results from a G to T substitution at nucleotide position 3914. The arginine at codon 1305 is replaced by isoleucine, an amino acid with similar properties. This amino acid position is conserved. In addition, this alteration is predicted to be tolerated by in silico analysis. Based on the available evidence, the clinical significance of this variant remains unclear.

NM_000057.4(BLM):c.3914G>T (p.Arg1305Ile)

Gene: BLM (BLM RecQ like helicase; plus strand). Cytogenetic location: 15q26.1.
Variant type: single nucleotide variant.
Coding change: c.3914G>T on transcript NM_000057.4 (MANE Select); coding-DNA position 3914, G replaced by T.
Protein change: p.Arg1305Ile; replaces arginine 1305 with isoleucine.
Molecular consequence: missense variant.
Genome position (GRCh38, 1-based): chr15:90,811,244, G>T. VCF-style: chr15-90811244-G-T. GRCh37 (hg19) VCF-style: chr15-91354474-G-T.
Other names: c.3914G>T, p.Arg1305Ile (NM_001287246.2); c.3521G>T, p.Arg1174Ile (NM_001287247.2); c.2789G>T, p.Arg930Ile (NM_001287248.2); short protein forms R1305I, R930I, R1174I.
Identifiers: ClinVar variation 3824477 (VCV003824477.1).
Genomic context (GRCh38, chr15:90,811,244, plus strand): 5'-ATCTGCATTTTCCATTTGTAGCTGAAGACAGTTCCCCAGGGATAAGCCTGTCCAGCAGCA[G>T]AGGCCCCGGAAGAAGTGCCGCTGAGGAGCTCGACGAGGAAATACCCGTATCTTCCCACTA-3'
Protein context (NP_000048.1, residues 1295-1315): SSPGISLSSS[Arg1305Ile]GPGRSAAEEL